The following is an entry in ClinVar:

ClinVar aggregate classification (germline): Pathogenic (1 of 4 stars; one submission).

Submission:

Labcorp Genetics (formerly Invitae), Labcorp
Classification: Pathogenic. Last evaluated: 2021-02-25. Review status: criteria provided, single submitter. Criteria: Invitae Variant Classification Sherloc (09022015). Collection method: clinical testing. Allele origin: germline.
Comment: This sequence change creates a premature translational stop signal (p.Ala556Glyfs*26) in the HPS1 gene. It is expected to result in an absent or disrupted protein product. Loss-of-function variants in HPS1 are known to be pathogenic (PMID: 12442288, 16185271). This variant is not present in population databases (ExAC no frequency). This variant has not been reported in the literature in individuals with HPS1-related conditions. For these reasons, this variant has been classified as Pathogenic.

Literature cited by the submitters: PubMed 12442288; PubMed 16185271.

NM_000195.5(HPS1):c.1666dup (p.Ala556fs)

Gene: HPS1 (HPS1 biogenesis of lysosomal organelles complex 3 subunit 1; minus strand). Cytogenetic location: 10q24.2.
Variant type: Duplication.
Coding change: c.1666dup on transcript NM_000195.5 (MANE Select); coding-DNA position 1666, one base duplicated (G; older notation c.1666dupG).
Protein change: p.Ala556fs; shifts the reading frame from alanine 556.
Molecular consequence: frameshift variant.
Genome position (GRCh38, 1-based): chr10:98,422,446, C duplicated on the plus strand (G on the coding strand, the reverse complement: HPS1 is on the minus strand); the first of 2 consecutive C bases (chr10:98,422,446-98,422,447); duplicating either gives the same sequence. VCF-style (leftmost placement, unchanged base first): chr10-98422445-G-GC. GRCh37 (hg19) VCF-style: chr10-100182202-G-GC.
Other names: c.694dup, p.Ala232fs (NM_001311345.2, NM_001322487.2, NM_001322489.2); c.1666dup, p.Ala556fs (NM_001322476.2, NM_001322477.2); c.1567dup, p.Ala523fs (NM_001322478.2, NM_001322479.2); c.1405dup, p.Ala469fs (NM_001322480.2, NM_001322481.2); c.1306dup, p.Ala436fs (NM_001322482.2); c.1297dup, p.Ala433fs (NM_001322483.2, NM_001322484.2); c.1198dup, p.Ala400fs (NM_001322485.2); short protein forms A436fs, A556fs, A400fs, A469fs, A523fs, A433fs, A232fs.
Identifiers: ClinVar variation 1351968 (VCV001351968.6), dbSNP rs2136123555, ClinGen allele CA2573146055.
Genomic context (GRCh38, chr10:98,422,445, plus strand): 5'-GCAGCCAGCGGCCCCTTGCCCAACTCCGACGAGGTCTTTTGACTGCAGTTGAGGGAAGGC[G>GC]CCACCATCTGCCCAGTGGTGCGGTCCACATAGATGAAGTGCACCAAGCCTGGGAAGTCTT-3'